The following is an entry in ClinVar:

NM_005529.7(HSPG2):c.12043C>T (p.Arg4015Cys)

Gene: HSPG2 (heparan sulfate proteoglycan 2; minus strand). Cytogenetic location: 1p36.12.
Variant type: single nucleotide variant.
Coding change: c.12043C>T on transcript NM_005529.7 (MANE Select); coding-DNA position 12043, C replaced by T.
Protein change: p.Arg4015Cys; replaces arginine 4015 with cysteine.
Molecular consequence: missense variant.
Genome position (GRCh38, 1-based): chr1:21,829,029, G>A on the plus strand (C>T on the coding strand, the complement: HSPG2 is on the minus strand). VCF-style: chr1-21829029-G-A. GRCh37 (hg19) VCF-style: chr1-22155522-G-A.
Other names: c.12046C>T, p.Arg4016Cys (NM_001291860.2); short protein forms R4015C, R4016C.
Identifiers: ClinVar variation 1899597 (VCV001899597.2), dbSNP rs745720885, ClinGen allele CA19091271.

ClinVar aggregate classification (germline): Uncertain significance (1 of 4 stars; one submission).

Allele frequency attached by ClinVar (database versions not stated): gnomAD 0.00003; TOPMed 0.00003.
gnomAD v4.1: 13 of 1,551,680 alleles (0.00084%); highest among the groups gnomAD compares: African/African-American, 0.0096%; no homozygotes.

Submission:

Labcorp Genetics (formerly Invitae), Labcorp
Classification: Uncertain significance. Last evaluated: 2022-04-19. Review status: criteria provided, single submitter. Criteria: Invitae Variant Classification Sherloc (09022015). Collection method: clinical testing. Allele origin: germline.
Comment: This sequence change replaces arginine, which is basic and polar, with cysteine, which is neutral and slightly polar, at codon 4015 of the HSPG2 protein (p.Arg4015Cys). The frequency data for this variant in the population databases is considered unreliable, as metrics indicate poor data quality at this position in the gnomAD database. This variant has not been reported in the literature in individuals affected with HSPG2-related conditions. Algorithms developed to predict the effect of missense changes on protein structure and function are either unavailable or do not agree on the potential impact of this missense change (SIFT: "Deleterious"; PolyPhen-2: "Probably Damaging"; Align-GVGD: "Class C0"). Algorithms developed to predict the effect of sequence changes on RNA splicing suggest that this variant may create or strengthen a splice site. In summary, the available evidence is currently insufficient to determine the role of this variant in disease. Therefore, it has been classified as a Variant of Uncertain Significance.